The following is an entry in ClinVar:

NM_006648.4(WNK2):c.5750A>G (p.Gln1917Arg)

Gene: WNK2 (WNK lysine deficient protein kinase 2; plus strand). Cytogenetic location: 9q22.31.
Variant type: single nucleotide variant.
Coding change: c.5750A>G on transcript NM_006648.4 (MANE Select); coding-DNA position 5750, A replaced by G.
Protein change: p.Gln1917Arg; replaces glutamine 1917 with arginine.
Molecular consequence: missense variant.
Genome position (GRCh38, 1-based): chr9:93,297,894, A>G. VCF-style: chr9-93297894-A-G. GRCh37 (hg19) VCF-style: chr9-96060176-A-G.
Other names: c.5861A>G, p.Gln1954Arg (NM_001282394.3); short protein forms Q1917R, Q1954R.
Identifiers: ClinVar variation 4605359 (VCV004605359.1).

ClinVar aggregate classification (germline): Uncertain significance (1 of 4 stars; one submission).

Submission:

Ambry Genetics
Classification: Uncertain significance. Last evaluated: 2025-11-12. Review status: criteria provided, single submitter. Criteria: Ambry Variant Classification Scheme 2023. Collection method: clinical testing. Allele origin: germline.
Comment: The p.Q1917R variant (also known as c.5750A>G), located in coding exon 23 of the WNK2 gene, results from an A to G substitution at nucleotide position 5750. The glutamine at codon 1917 is replaced by arginine, an amino acid with highly similar properties. This amino acid position is conserved. In addition, this alteration is predicted to be tolerated by in silico analysis. Based on the available evidence, the clinical significance of this variant remains unclear.